The following is an entry in ClinVar:

NM_001165963.4(SCN1A):c.5885A>T (p.Asp1962Val)

Genes: SCN1A (sodium voltage-gated channel alpha subunit 1; minus strand), LOC102724058 (uncharacterized LOC102724058; plus strand). Cytogenetic location: 2q24.3.
Variant type: single nucleotide variant.
Coding change: c.5885A>T on transcript NM_001165963.4 (MANE Select); coding-DNA position 5885, A replaced by T.
Protein change: p.Asp1962Val; replaces aspartic acid 1962 with valine.
Molecular consequence: missense variant. On other transcripts: non-coding transcript variant (1).
Genome position (GRCh38, 1-based): chr2:165,991,390, T>A on the plus strand (A>T on the coding strand, the complement: SCN1A is on the minus strand). VCF-style: chr2-165991390-T-A. GRCh37 (hg19) VCF-style: chr2-166847900-T-A.
Other names: c.5801A>T, p.Asp1934Val (NM_001353958.2, NM_001165964.3, NM_001353957.2); c.5798A>T, p.Asp1933Val (NM_001353960.2); c.3443A>T, p.Asp1148Val (NM_001353961.2); c.5852A>T, p.Asp1951Val (NM_006920.6, NM_001353949.2, NM_001353950.2 and 2 more transcripts); c.5885A>T, p.Asp1962Val (NM_001202435.3, NM_001353948.2); c.5849A>T, p.Asp1950Val (NM_001353954.2, NM_001353955.2); short protein forms D1148V, D1933V, D1934V, D1950V, D1951V, D1962V.
Identifiers: ClinVar variation 5017895 (VCV005017895.1).

ClinVar aggregate classification (germline): Uncertain significance (1 of 4 stars; one submission).

Submission:

GeneDx
Classification: Uncertain significance. Last evaluated: 2026-03-31. Review status: criteria provided, single submitter. Criteria: GeneDx Variant Classification Process June 2021. Collection method: clinical testing. Allele origin: germline.
Comment: Not observed at significant frequency in large population cohorts (gnomAD); In silico analysis supports that this missense variant has a deleterious effect on protein structure/function; Has not been previously published as pathogenic or benign to our knowledge; This substitution is predicted to be within the C-terminal cytoplasmic domain